The following is an entry in ClinVar:

NM_004415.4(DSP):c.4914C>G (p.Asp1638Glu)

Gene: DSP (desmoplakin; plus strand). Cytogenetic location: 6p24.3.
Variant type: single nucleotide variant.
Coding change: c.4914C>G on transcript NM_004415.4 (MANE Select); coding-DNA position 4914, C replaced by G.
Protein change: p.Asp1638Glu; replaces aspartic acid 1638 with glutamic acid.
Molecular consequence: missense variant. On other transcripts: intron variant (2).
Genome position (GRCh38, 1-based): chr6:7,581,104, C>G. VCF-style: chr6-7581104-C-G. GRCh37 (hg19) VCF-style: chr6-7581337-C-G.
Other names: c.4050+864C>G (NM_001319034.2); c.3582+1332C>G (NM_001008844.3); short protein forms D1638E.
Identifiers: ClinVar variation 3894520 (VCV003894520.1).

ClinVar aggregate classification (germline): Uncertain significance (1 of 4 stars; one submission).

Conditions:
Cardiomyopathy (CMYO). Also called: Cardiomyopathies. Identifiers: Orphanet 167848, MedGen C0878544, MONDO:0004994, HP:0001638. Inheritance: Various modes of inheritance.

Submission:

Color Diagnostics, LLC DBA Color Health
Classification: Uncertain significance for Cardiomyopathy. Last evaluated: 2024-07-26. Review status: criteria provided, single submitter. Criteria: ACMG Guidelines, 2015. Collection method: clinical testing. Allele origin: germline.
Comment: This missense variant replaces aspartic acid with glutamic acid at codon 1638 of the DSP protein. Computational prediction suggests that this variant may not impact protein structure and function (internally defined REVEL score threshold <= 0.5, PMID: 27666373). To our knowledge, functional studies have not been reported for this variant. This variant has not been reported in individuals affected with DSP-related disorders in the literature. This variant has not been identified in the general population by the Genome Aggregation Database (gnomAD). The available evidence is insufficient to determine the role of this variant in disease conclusively. Therefore, this variant is classified as a Variant of Uncertain Significance.